The following is an entry in ClinVar:

ClinVar aggregate classification (germline): Pathogenic. Review status: criteria provided, multiple submitters, no conflicts (2 of 4 stars). 2 submissions from 2 submitters: Pathogenic (2). Last evaluated 2022-11-08.

Conditions:
Familial thoracic aortic aneurysm and aortic dissection (TAAD). Also called: Thoracic aortic aneurysms and dissections. Identifiers: Orphanet 91387, MedGen C4707243, MONDO:0019625.

Submissions (2):

Labcorp Genetics (formerly Invitae), Labcorp
Classification: Pathogenic for Familial thoracic aortic aneurysm and aortic dissection. Last evaluated: 2022-11-08. Review status: criteria provided, single submitter. Criteria: Invitae Variant Classification Sherloc (09022015). Collection method: clinical testing. Allele origin: germline.
Comment: For these reasons, this variant has been classified as Pathogenic. ClinVar contains an entry for this variant (Variation ID: 405569). This variant has not been reported in the literature in individuals affected with SMAD3-related conditions. This variant is not present in population databases (gnomAD no frequency). This sequence change creates a premature translational stop signal (p.His143Argfs*21) in the SMAD3 gene. It is expected to result in an absent or disrupted protein product. Loss-of-function variants in SMAD3 are known to be pathogenic (PMID: 21778426, 24804794).

Stanford Center for Inherited Cardiovascular Disease, Stanford University
Classification: Pathogenic. Last evaluated: 2016-12-21. Review status: criteria provided, single submitter. Criteria: ACMG Guidelines, 2015. Collection method: provider interpretation. Allele origin: germline.

Literature cited by the submitters: PubMed 21778426 (cited by Labcorp Genetics (formerly Invitae), Labcorp); PubMed 24804794 (cited by Labcorp Genetics (formerly Invitae), Labcorp).

NM_005902.4(SMAD3):c.427_431del (p.His143fs)

Gene: SMAD3 (SMAD family member 3; plus strand). Cytogenetic location: 15q22.33.
Variant type: Deletion.
Coding change: c.427_431del on transcript NM_005902.4 (MANE Select); coding-DNA positions 427 to 431, 5 bases deleted (CACAC; older notation c.427_431delCACAC).
Protein change: p.His143fs; shifts the reading frame from histidine 143.
Molecular consequence: frameshift variant.
Genome position (GRCh38, 1-based): chr15:67,165,279-67,165,283, CACAC deleted; deleting any 5 consecutive bases within chr15:67,165,278-67,165,283 gives the same sequence; the c. name uses the placement nearest the transcript's 3' end. VCF-style (leftmost placement, unchanged base first): chr15-67165277-GCCACA-G. GRCh37 (hg19) VCF-style: chr15-67457615-GCCACA-G.
Other names: c.112_116del, p.His38fs (NM_001145102.2); c.295_299del, p.His99fs (NM_001145103.2); short protein forms H99fs, H38fs, H143fs.
Identifiers: ClinVar variation 405569 (VCV000405569.9), dbSNP rs1060500773, ClinGen allele CA16614888.
Genomic context (GRCh38, chr15:67,165,277, plus strand): 5'-ACACTGAGCCACCTCTGCTCTGTCTCCCCCGGACAGTTCTACCTCCTGTGTTGGTGCCAC[GCCACA>G]CAGAGATCCCGGCCGAGTTCCCCCCACTGGACGACTACAGCCATTCCATCCCCGAAAACA-3'